The following is an entry in ClinVar:

ClinVar aggregate classification (germline): Benign/Likely benign. Review status: criteria provided, multiple submitters, no conflicts (2 of 4 stars). 2 submissions from 2 submitters: Benign (1); Likely benign (1). Last evaluated 2024-03-01.

Allele frequency attached by ClinVar (database versions not stated): 1000 Genomes Project 30x 0.00109; 1000 Genomes Project 0.00120; ESP Exome Variant Server 0.00246.
gnomAD v4.1: 5,563 of 1,614,004 alleles (0.34%); highest among the groups gnomAD compares: Non-Finnish European, 0.41%; 18 homozygotes.

Submissions (2):

CeGaT Center for Human Genetics Tuebingen
Classification: Likely benign. Last evaluated: 2024-03-01. Review status: criteria provided, single submitter. Criteria: CeGaT Center For Human Genetics Tuebingen Variant Classification Criteria Version 2. Collection method: clinical testing. Allele origin: germline. Affected: yes. Observed: 2 variant alleles.
Comment: GIGYF2: BP4, BP7

Mayo Clinic Laboratories, Mayo Clinic
Classification: Benign. Last evaluated: 2023-10-30. Review status: criteria provided, single submitter. Criteria: ACMG Guidelines, 2015. Collection method: clinical testing. Allele origin: germline. Observed: 7 variant alleles.
Comment: BS1, BS2, BP4, BP7

Literature cited by the submitters: PubMed 18358451 (cited by Mayo Clinic Laboratories, Mayo Clinic).

NM_001103146.3(GIGYF2):c.2835G>T (p.Ser945=)

Gene: GIGYF2 (GRB10 interacting GYF protein 2; plus strand). Cytogenetic location: 2q37.1.
Variant type: single nucleotide variant.
Coding change: c.2835G>T on transcript NM_001103146.3 (MANE Select); coding-DNA position 2835, G replaced by T.
Protein change: p.Ser945=; no amino-acid change (serine 945 retained).
Molecular consequence: synonymous variant. On other transcripts: non-coding transcript variant (1).
Genome position (GRCh38, 1-based): chr2:232,839,917, G>T. VCF-style: chr2-232839917-G-T. GRCh37 (hg19) VCF-style: chr2-233704627-G-T.
Other names: p.Ser945=; c.2898G>T, p.Ser966= (NM_001103147.2); c.2817G>T, p.Ser939= (NM_001103148.2); c.2835G>T, p.Ser945= (NM_015575.4); c.2835G>T (NM_001103146.2).
Identifiers: ClinVar variation 2652013 (VCV002652013.25), dbSNP rs141356541, ClinGen allele CA2170698.